The following is an entry in ClinVar:

NM_022166.4(XYLT1):c.1587+46T>G

Gene: XYLT1 (xylosyltransferase 1; minus strand). Cytogenetic location: 16p12.3.
Variant type: single nucleotide variant.
Coding change: c.1587+46T>G on transcript NM_022166.4 (MANE Select); 46 bases into the intron after coding-DNA position 1587, T replaced by G.
Molecular consequence: intron variant.
Genome position (GRCh38, 1-based): chr16:17,141,107, A>C on the plus strand (T>G on the coding strand, the complement: XYLT1 is on the minus strand). VCF-style: chr16-17141107-A-C. GRCh37 (hg19) VCF-style: chr16-17234964-A-C.
Identifiers: ClinVar variation 1683949 (VCV001683949.2), dbSNP rs142728669, ClinGen allele CA7927867.

ClinVar aggregate classification (germline): Likely benign (1 of 4 stars; one submission).

Allele frequency attached by ClinVar (database versions not stated): gnomAD exomes 0.00146; ExAC 0.00184; 1000 Genomes Project 0.00539; 1000 Genomes Project 30x 0.00562; gnomAD 0.00583 and 0.00631; TOPMed 0.00687; ESP Exome Variant Server 0.00816.
gnomAD v4.1: 1,699 of 1,587,952 alleles (0.11%); highest among the groups gnomAD compares: African/African-American, 2%; 15 homozygotes.

Submission:

GeneDx
Classification: Likely benign. Last evaluated: 2021-11-05. Review status: criteria provided, single submitter. Criteria: GeneDx Variant Classification Process June 2021. Collection method: clinical testing. Allele origin: germline. Affected: yes.
Comment: See Variant Classification Assertion Criteria.